The following is an entry in ClinVar:

NM_006329.4(FBLN5):c.893C>G (p.Thr298Arg)

Gene: FBLN5 (fibulin 5; minus strand). Cytogenetic location: 14q32.12.
Variant type: single nucleotide variant.
Coding change: c.893C>G on transcript NM_006329.4 (MANE Select); coding-DNA position 893, C replaced by G.
Protein change: p.Thr298Arg; replaces threonine 298 with arginine.
Molecular consequence: missense variant.
Genome position (GRCh38, 1-based): chr14:91,881,388, G>C on the plus strand (C>G on the coding strand, the complement: FBLN5 is on the minus strand). VCF-style: chr14-91881388-G-C. GRCh37 (hg19) VCF-style: chr14-92347732-G-C.
Other names: c.1016C>G, p.Thr339Arg (NM_001384158.1); c.944C>G, p.Thr315Arg (NM_001384159.1); c.893C>G, p.Thr298Arg (NM_001384160.1); c.725C>G, p.Thr242Arg (NM_001384161.1, NM_001384162.1); short protein forms T298R, T242R, T315R, T339R.
Identifiers: ClinVar variation 870931 (VCV000870931.43), dbSNP rs771425892, ClinGen allele CA390642007.
Genomic context (GRCh38, chr14:91,881,388, plus strand): 5'-ATGGGGTCAATGCATTTGAAGCCCCCTTGTAAATTGTAGCACGTCTGCTGCAGGTTGCAC[G>C]TGTGGTTCCTGTGCTCACATTCGTTGATGTCTGAAATGCAGGGGAGACAAGAAGCGGAGG-3'
Protein context (NP_006320.2, residues 288-308): DINECEHRNH[Thr298Arg]CNLQQTCYNL

ClinVar aggregate classification (germline): Uncertain significance. Review status: criteria provided, multiple submitters, no conflicts (2 of 4 stars). 2 submissions from 2 submitters: Uncertain significance (2). Last evaluated 2024-09-11.

Allele frequency attached by ClinVar (database versions not stated): gnomAD 0.00001.
gnomAD v4.1: 2 of 1,614,030 alleles (0.00012%); highest among the groups gnomAD compares: African/African-American, 0.0013%; no homozygotes.

Submissions (2):

Labcorp Genetics (formerly Invitae), Labcorp
Classification: Uncertain significance. Last evaluated: 2024-09-11. Review status: criteria provided, single submitter. Criteria: Invitae Variant Classification Sherloc (09022015). Collection method: clinical testing. Allele origin: germline.
Comment: This sequence change replaces threonine, which is neutral and polar, with arginine, which is basic and polar, at codon 298 of the FBLN5 protein (p.Thr298Arg). This variant is not present in population databases (gnomAD no frequency). This variant has not been reported in the literature in individuals affected with FBLN5-related conditions. ClinVar contains an entry for this variant (Variation ID: 870931). Invitae Evidence Modeling of protein sequence and biophysical properties (such as structural, functional, and spatial information, amino acid conservation, physicochemical variation, residue mobility, and thermodynamic stability) indicates that this missense variant is not expected to disrupt FBLN5 protein function with a negative predictive value of 80%. In summary, the available evidence is currently insufficient to determine the role of this variant in disease. Therefore, it has been classified as a Variant of Uncertain Significance.

CeGaT Center for Human Genetics Tuebingen
Classification: Uncertain significance. Last evaluated: 2020-01-01. Review status: criteria provided, single submitter. Criteria: CeGaT Center For Human Genetics Tuebingen Variant Classification Criteria Version 2. Collection method: clinical testing. Allele origin: germline. Affected: yes. Observed: 1 variant allele.